The following is an entry in ClinVar:

ClinVar aggregate classification (germline): Uncertain significance (1 of 4 stars; one submission).

Conditions:
Charcot-Marie-Tooth disease type 2. Also called: Charcot-Marie-Tooth type 2. Identifiers: Orphanet 64746, MedGen C0270914, MONDO:0018993.

gnomAD v4.1: 1 of 1,614,090 alleles (0.000062%); highest among the groups gnomAD compares: Non-Finnish European, 0.000085%; no homozygotes.

Submission:

Labcorp Genetics (formerly Invitae), Labcorp
Classification: Uncertain significance for Charcot-Marie-Tooth disease type 2. Last evaluated: 2024-07-03. Review status: criteria provided, single submitter. Criteria: Invitae Variant Classification Sherloc (09022015). Collection method: clinical testing. Allele origin: germline.
Comment: This sequence change replaces aspartic acid, which is acidic and polar, with alanine, which is neutral and non-polar, at codon 359 of the AARS protein (p.Asp359Ala). This variant is not present in population databases (gnomAD no frequency). This variant has not been reported in the literature in individuals affected with AARS-related conditions. Advanced modeling of protein sequence and biophysical properties (such as structural, functional, and spatial information, amino acid conservation, physicochemical variation, residue mobility, and thermodynamic stability) performed at Invitae indicates that this missense variant is not expected to disrupt AARS protein function with a negative predictive value of 95%. In summary, the available evidence is currently insufficient to determine the role of this variant in disease. Therefore, it has been classified as a Variant of Uncertain Significance.

NM_001605.3(AARS1):c.1076A>C (p.Asp359Ala)

Gene: AARS1 (alanyl-tRNA synthetase 1; minus strand). Cytogenetic location: 16q22.1.
Variant type: single nucleotide variant.
Coding change: c.1076A>C on transcript NM_001605.3 (MANE Select); coding-DNA position 1076, A replaced by C.
Protein change: p.Asp359Ala; replaces aspartic acid 359 with alanine.
Molecular consequence: missense variant.
Genome position (GRCh38, 1-based): chr16:70,267,805, T>G on the plus strand (A>C on the coding strand, the complement: AARS1 is on the minus strand). VCF-style: chr16-70267805-T-G. GRCh37 (hg19) VCF-style: chr16-70301708-T-G.
Other names: short protein forms D359A.
Identifiers: ClinVar variation 3673997 (VCV003673997.2).